The following is an entry in ClinVar:

NM_001358530.2(MOCS1):c.831G>T (p.Glu277Asp)

Gene: MOCS1 (molybdenum cofactor synthesis 1; minus strand). Cytogenetic location: 6p21.2.
Variant type: single nucleotide variant.
Coding change: c.831G>T on transcript NM_001358530.2 (MANE Select); coding-DNA position 831, G replaced by T.
Protein change: p.Glu277Asp; replaces glutamic acid 277 with aspartic acid.
Molecular consequence: missense variant. On other transcripts: non-coding transcript variant (1).
Genome position (GRCh38, 1-based): chr6:39,912,931, C>A on the plus strand (G>T on the coding strand, the complement: MOCS1 is on the minus strand). VCF-style: chr6-39912931-C-A. GRCh37 (hg19) VCF-style: chr6-39880675-C-A.
Other names: c.831G>T, p.Glu277Asp (NM_001075098.4, NM_001358529.2, NM_005943.6); c.570G>T, p.Glu190Asp (NM_001358531.2, NM_001358533.2, NM_001358534.2); short protein forms E190D, E277D.
Identifiers: ClinVar variation 1493951 (VCV001493951.5), dbSNP rs1767422040, ClinGen allele CA364043651.

ClinVar aggregate classification (germline): Uncertain significance (1 of 4 stars; one submission).

Conditions:
Sulfite oxidase deficiency due to molybdenum cofactor deficiency type A. Also called: Molybdenum cofactor deficiency, complementation group A; Molybdenum Cofactor Deficiency A. Identifiers: Orphanet 308386, Orphanet 833, MedGen C1854988, MONDO:0009643, OMIM 252150.

Allele frequency attached by ClinVar (database versions not stated): TOPMed below 0.00001; gnomAD 0.00001.
gnomAD v4.1: 1 of 1,614,088 alleles (0.000062%); highest among the groups gnomAD compares: African/African-American, 0.0013%; no homozygotes.

Submission:

Labcorp Genetics (formerly Invitae), Labcorp
Classification: Uncertain significance for Sulfite oxidase deficiency due to molybdenum cofactor deficiency type A. Last evaluated: 2021-08-28. Review status: criteria provided, single submitter. Criteria: Invitae Variant Classification Sherloc (09022015). Collection method: clinical testing. Allele origin: germline.
Comment: This sequence change replaces glutamic acid with aspartic acid at codon 277 of the MOCS1 protein (p.Glu277Asp). The glutamic acid residue is moderately conserved and there is a small physicochemical difference between glutamic acid and aspartic acid. This variant is not present in population databases (ExAC no frequency). This variant has not been reported in the literature in individuals affected with MOCS1-related conditions. Algorithms developed to predict the effect of missense changes on protein structure and function (SIFT, PolyPhen-2, Align-GVGD) all suggest that this variant is likely to be tolerated. In summary, the available evidence is currently insufficient to determine the role of this variant in disease. Therefore, it has been classified as a Variant of Uncertain Significance.